The following is an entry in ClinVar:

ClinVar aggregate classification (germline): Likely benign (1 of 4 stars; one submission).

gnomAD v4.1: 175 of 1,399,058 alleles (0.013%); highest among the groups gnomAD compares: Non-Finnish European, 0.015%; no homozygotes.

Submission:

CeGaT Center for Human Genetics Tuebingen
Classification: Likely benign. Last evaluated: 2024-07-01. Review status: criteria provided, single submitter. Criteria: CeGaT Center For Human Genetics Tuebingen Variant Classification Criteria Version 2. Collection method: clinical testing. Allele origin: germline. Affected: yes. Observed: 1 variant allele.
Comment: LIPE: BP4, BP7

NM_005357.4(LIPE):c.3165C>G (p.Ala1055=)

Genes: LIPE (lipase E, hormone sensitive type; minus strand), LIPE-AS1 (LIPE antisense RNA 1; plus strand), LOC101930071 (uncharacterized LOC101930071; plus strand). Cytogenetic location: 19q13.2.
Variant type: single nucleotide variant.
Coding change: c.3165C>G on transcript NM_005357.4 (MANE Select); coding-DNA position 3165, C replaced by G.
Protein change: p.Ala1055=; no amino-acid change (alanine 1055 retained).
Molecular consequence: synonymous variant.
Genome position (GRCh38, 1-based): chr19:42,401,878, G>C on the plus strand (C>G on the coding strand, the complement: LIPE is on the minus strand). VCF-style: chr19-42401878-G-C. GRCh37 (hg19) VCF-style: chr19-42906030-G-C.
Other names: c.2415C>G, p.Ala805= (NM_001416100.1); c.2400C>G, p.Ala800= (NM_001416101.1); c.2295C>G, p.Ala765= (NM_001416102.1); c.2262C>G, p.Ala754= (NM_001416103.1, NM_001416104.1); c.2172C>G, p.Ala724= (NM_001416105.1); c.2067C>G, p.Ala689= (NM_001416106.1); c.1578C>G, p.Ala526= (NM_001416107.1); c.1524C>G, p.Ala508= (NM_001416108.1).
Identifiers: ClinVar variation 3341628 (VCV003341628.16).
Genomic context (GRCh38, chr19:42,401,878, plus strand): 5'-TCGCCCCCCGCAGCCCCCGTCTACCCCCGCAGCCCCCGTCTCCCCGCTCGGCCCGGCTCC[G>C]GCGGGAGGAGTGAGGACGAGGCGGATGCGCTCCACGCACAGCTCTGCGGCCTGGCGCGTC-3'
Protein context (NP_005348.2, residues 1045-1065): ERIRLVLTPP[Ala1055=]GAGPSGETGA